The following is an entry in ClinVar:

ClinVar aggregate classification (germline): Uncertain significance (1 of 4 stars; one submission).

Conditions:
Cortical dysplasia-focal epilepsy syndrome (PTHSL1). Also called: Pitt-Hopkins-like syndrome 1. Identifiers: Orphanet 163681, Orphanet 221150, MedGen C2750246, MONDO:0012400, OMIM 610042.

Allele frequency attached by ClinVar (database versions not stated): TOPMed 0.00001.

Submission:

Labcorp Genetics (formerly Invitae), Labcorp
Classification: Uncertain significance for Cortical dysplasia-focal epilepsy syndrome. Last evaluated: 2022-03-15. Review status: criteria provided, single submitter. Criteria: Invitae Variant Classification Sherloc (09022015). Collection method: clinical testing. Allele origin: germline.
Comment: In summary, the available evidence is currently insufficient to determine the role of this variant in disease. Therefore, it has been classified as a Variant of Uncertain Significance. This sequence change replaces glycine, which is neutral and non-polar, with valine, which is neutral and non-polar, at codon 228 of the CNTNAP2 protein (p.Gly228Val). This variant is not present in population databases (gnomAD no frequency). This variant has not been reported in the literature in individuals affected with CNTNAP2-related conditions. Algorithms developed to predict the effect of missense changes on protein structure and function are either unavailable or do not agree on the potential impact of this missense change (SIFT: "Deleterious"; PolyPhen-2: "Possibly Damaging"; Align-GVGD: "Class C0").

NM_014141.6(CNTNAP2):c.683G>T (p.Gly228Val)

Gene: CNTNAP2 (contactin associated protein 2; plus strand). Cytogenetic location: 7q35.
Variant type: single nucleotide variant.
Coding change: c.683G>T on transcript NM_014141.6 (MANE Select); coding-DNA position 683, G replaced by T.
Protein change: p.Gly228Val; replaces glycine 228 with valine.
Molecular consequence: missense variant.
Genome position (GRCh38, 1-based): chr7:147,108,279, G>T. VCF-style: chr7-147108279-G-T. GRCh37 (hg19) VCF-style: chr7-146805371-G-T.
Other names: short protein forms G228V.
Identifiers: ClinVar variation 2112506 (VCV002112506.4), dbSNP rs1800806891, ClinGen allele CA369923215.
Genomic context (GRCh38, chr7:147,108,279, plus strand): 5'-TGAAAGATGTCATTGCCTTGAACTTTAAGACGTCTGAAAGTGAAGGAGTAATCCTGCACG[G>T]AGAAGGACAGCAAGGAGATTACATTACCTTGGAACTGAAAAAAGCCAAGCTGGTCCTCAG-3'
Protein context (NP_054860.1, residues 218-238): TSESEGVILH[Gly228Val]EGQQGDYITL